The following is an entry in ClinVar:

NM_003924.4(PHOX2B):c.299G>T (p.Arg100Leu)

Gene: PHOX2B (paired like homeobox 2B; minus strand). Cytogenetic location: 4p13.
Variant type: single nucleotide variant.
Coding change: c.299G>T on transcript NM_003924.4 (MANE Select); coding-DNA position 299, G replaced by T.
Protein change: p.Arg100Leu; replaces arginine 100 with leucine.
Molecular consequence: missense variant.
Genome position (GRCh38, 1-based): chr4:41,747,479, C>A on the plus strand (G>T on the coding strand, the complement: PHOX2B is on the minus strand). VCF-style: chr4-41747479-C-A. GRCh37 (hg19) VCF-style: chr4-41749496-C-A.
Other names: short protein forms R100L.
Identifiers: ClinVar variation 6011 (VCV000006011.13), dbSNP rs104893855, ClinGen allele CA117902.
Genomic context (GRCh38, chr4:41,747,479, plus strand): 5'-GTCTCCGCGAAGACCCTTTCCAGCTCTTTGAGCTGGGCACTGGTGAAAGTGGTGCGGATG[C>A]GCCGCTGCTTGCGCTTCTCGTTGAGGCCGCCGTGGTCCGTGAAGAGTTTGTAAGGAACTA-3'
Protein context (NP_003915.2, residues 90-110): GGLNEKRKQR[Arg100Leu]IRTTFTSAQL

ClinVar aggregate classification (germline): Conflicting classifications of pathogenicity. Review status: criteria provided, conflicting classifications (1 of 4 stars). 3 submissions from 3 submitters: Likely pathogenic (1); Uncertain significance (1). 1 of the submissions does not count toward it. Last evaluated 2025-04-28.

Conditions:
Hereditary cancer-predisposing syndrome. Also called: Neoplastic Syndromes, Hereditary; Tumor predisposition; Hereditary neoplastic syndrome; Hereditary Cancer Syndrome. Identifiers: Orphanet 140162, MedGen C0027672, MeSH D009386, MONDO:0015356.
Haddad syndrome (OHD). Also called: Ondine-Hirschsprung disease. Identifiers: Orphanet 99803, MedGen C1859049, MONDO:0020493.
Neuroblastoma, susceptibility to, 2. Identifiers: Orphanet 635, MedGen C2751682, MONDO:0700041, OMIM 613013.

Submissions (3):

Ambry Genetics
Classification: Likely pathogenic for Hereditary cancer-predisposing syndrome. Last evaluated: 2025-04-28. Review status: criteria provided, single submitter. Criteria: Ambry Variant Classification Scheme 2023. Collection method: clinical testing. Allele origin: germline.
Comment: The p.R100L variant (also known as c.299G>T), located in coding exon 2 of the PHOX2B gene, results from a G to T substitution at nucleotide position 299. The arginine at codon 100 is replaced by leucine, an amino acid with dissimilar properties. This variant was reported in individual(s) with features consistent with PHOX2B-associated disease including a personal and/or family history of neuroblastoma, adrenal ganglioneuroma, and/ or Hirschsprung disease (Trochet D et al. Am. J. Hum. Genet. 2004 Apr;74:761-4; Bourdeaut F et al. Cancer Lett. 2005 Oct;228:51-8; Heide S et al. Pediatr Blood Cancer. 2016 Jan;63:71-7 Ambry internal data). In vitro analysis of the protein with this alteration demonstrated complete loss of DNA binding (Trochet D et al. Hum. Mol. Genet. 2005 Dec;14:3697-708). This variant is considered to be rare based on population cohorts in the Genome Aggregation Database (gnomAD). This amino acid position is highly conserved in available vertebrate species. In addition, this alteration is predicted to be deleterious by in silico analysis. Based on the majority of available evidence to date, this variant is likely to be pathogenic.

Labcorp Genetics (formerly Invitae), Labcorp
Classification: Uncertain significance for Haddad syndrome. Last evaluated: 2017-05-31. Review status: criteria provided, single submitter. Criteria: Invitae Variant Classification Sherloc (09022015). Collection method: clinical testing. Allele origin: germline.
Comment: In summary, this variant impacts PHOX2B function and has been observed in affected individual. However, the available evidence is currently insufficient to determine its role in disease. Therefore, it has been classified as a Variant of Uncertain Significance. Experimental studies demonstrate that this missense change impedes the DNA binding and transactivation activity of PHOX2B and suppresses cellular differentiation, but nuclear localization and cell proliferation are not affected (PMID: 16249188, 19058226, 23873030, 17637745). This variant has been reported to segregate with Hirschsprung disease and neuroblastic tumors in a single family (PMID: 15949893, 15024693). It has also been observed in an individual affected with sporadic congenital central hypoventilation syndrome (PMID: 17637745). ClinVar contains an entry for this variant (Variation ID: 6011). This variant is not present in population databases (ExAC no frequency). This sequence change replaces arginine with leucine at codon 100 of the PHOX2B protein (p.Arg100Leu). The arginine residue is highly conserved and there is a moderate physicochemical difference between arginine and leucine.

OMIM
Classification: risk factor for NEUROBLASTOMA, SUSCEPTIBILITY TO, 2. Last evaluated: 2004-04-01. Review status: no assertion criteria provided. Collection method: literature only. Allele origin: germline. Not counted in ClinVar's aggregate classification.

Literature cited by the submitters: PubMed 15024693 (cited by 3 submitters); PubMed 15949893 (cited by Ambry Genetics and Labcorp Genetics (formerly Invitae), Labcorp); PubMed 16249188 (cited by Ambry Genetics and Labcorp Genetics (formerly Invitae), Labcorp); PubMed 17637745 (cited by Ambry Genetics and Labcorp Genetics (formerly Invitae), Labcorp); PubMed 23754957 (cited by Ambry Genetics); PubMed 23873030 (cited by Ambry Genetics and Labcorp Genetics (formerly Invitae), Labcorp); PubMed 26375764 (cited by Ambry Genetics); PubMed 27013732 (cited by Ambry Genetics); PubMed 19058226 (cited by Labcorp Genetics (formerly Invitae), Labcorp).